The following is an entry in ClinVar:

NM_001122630.2(CDKN1C):c.116T>C (p.Leu39Pro)

Gene: CDKN1C (cyclin dependent kinase inhibitor 1C; minus strand). Cytogenetic location: 11p15.4.
Variant type: single nucleotide variant.
Coding change: c.116T>C on transcript NM_001122630.2 (MANE Select); coding-DNA position 116, T replaced by C.
Protein change: p.Leu39Pro; replaces leucine 39 with proline.
Molecular consequence: missense variant.
Genome position (GRCh38, 1-based): chr11:2,885,341, A>G on the plus strand (T>C on the coding strand, the complement: CDKN1C is on the minus strand). VCF-style: chr11-2885341-A-G. GRCh37 (hg19) VCF-style: chr11-2906571-A-G.
Other names: c.149T>C, p.Leu50Pro (NM_000076.2, NM_001362474.2); c.116T>C, p.Leu39Pro (NM_001122631.2, NM_001362475.2); short protein forms L39P, L50P.
Identifiers: ClinVar variation 3776328 (VCV003776328.1).
Genomic context (GRCh38, chr11:2,885,341, plus strand): 5'-GGCATGTCCTGCTGGAAGTCGTAATCCCAGCGGTTCTGGTCCTCGGCGTTCAGCTCGGCC[A>G]GGCGGGCCTGCAGCTCGCGGCTCAGCTCCTCGTGGTCCACCGGCCCGAAGAGGCTGCGGC-3'
Protein context (NP_001116102.1, residues 29-49): EELSRELQAR[Leu39Pro]AELNAEDQNR

ClinVar aggregate classification (germline): Uncertain significance (1 of 4 stars; one submission).

Submission:

GeneDx
Classification: Uncertain significance. Last evaluated: 2024-10-01. Review status: criteria provided, single submitter. Criteria: GeneDx Variant Classification Process June 2021. Collection method: clinical testing. Allele origin: germline. Affected: yes.
Comment: Not observed at significant frequency in large population cohorts (gnomAD); In silico analysis supports that this missense variant has a deleterious effect on protein structure/function; This variant is associated with the following publications: (PMID: 11414765, 20503313)